The following is an entry in ClinVar:

ClinVar aggregate classification (germline): Uncertain significance. Review status: criteria provided, multiple submitters, no conflicts (2 of 4 stars). 2 submissions from 2 submitters: Uncertain significance (2). Last evaluated 2025-06-25.

Conditions:
PKHD1-related disorder. Also called: PKHD1-related condition.

Allele frequency attached by ClinVar (database versions not stated): gnomAD exomes below 0.00001.
gnomAD v4.1: 3 of 1,610,372 alleles (0.00019%); highest among the groups gnomAD compares: South Asian, 0.0033%; no homozygotes.

Submissions (2):

PreventionGenetics, part of Exact Sciences
Classification: Uncertain significance for PKHD1-related condition. Last evaluated: 2025-06-25. Review status: criteria provided, single submitter. Criteria: ACMG Guidelines, 2015. Collection method: clinical testing. Allele origin: germline.
Comment: The PKHD1 c.3620C>G variant is predicted to result in the amino acid substitution p.Ser1207Cys. To our knowledge, this variant has not been reported in the literature or in a large population database (gnomAD), indicating this variant is rare. At this time, the clinical significance of this variant is uncertain due to the absence of conclusive functional and genetic evidence.

Eurofins Ntd Llc (ga)
Classification: Uncertain significance. Last evaluated: 2017-08-16. Review status: criteria provided, single submitter. Criteria: EGL Classification Definitions 2015. Collection method: clinical testing. Allele origin: germline. Observed: 1 variant allele, 1 heterozygote.

NM_138694.4(PKHD1):c.3620C>G (p.Ser1207Cys)

Gene: PKHD1 (PKHD1 ciliary IPT domain containing fibrocystin/polyductin; minus strand). Cytogenetic location: 6p12.2.
Variant type: single nucleotide variant.
Coding change: c.3620C>G on transcript NM_138694.4 (MANE Select); coding-DNA position 3620, C replaced by G.
Protein change: p.Ser1207Cys; replaces serine 1207 with cysteine.
Molecular consequence: missense variant.
Genome position (GRCh38, 1-based): chr6:52,027,837, G>C on the plus strand (C>G on the coding strand, the complement: PKHD1 is on the minus strand). VCF-style: chr6-52027837-G-C. GRCh37 (hg19) VCF-style: chr6-51892635-G-C.
Other names: c.3620C>G, p.Ser1207Cys (NM_170724.3); c.3620C>G (NM_138694.3); short protein forms S1207C.
Identifiers: ClinVar variation 593693 (VCV000593693.6), dbSNP rs1562174999, ClinGen allele CA364440015.
Genomic context (GRCh38, chr6:52,027,837, plus strand): 5'-CAGCAAATAGAATTGCTGGATAATTGATAACAGTCACATAAGAGCCACTCACCCAGCAGG[G>C]ACCCACAGCAAGGCTCGATGCTGAAAACTTCTGTGAGGTACTGGATGTGGAGATCAACCC-3'
Protein context (NP_619639.3, residues 1197-1217): EVFSIEPCCG[Ser1207Cys]LLGGTILSIS